The following is an entry in ClinVar:

NM_020208.4(SLC6A20):c.1601T>G (p.Leu534Arg)

Gene: SLC6A20 (solute carrier family 6 member 20; minus strand). Cytogenetic location: 3p21.31.
Variant type: single nucleotide variant.
Coding change: c.1601T>G on transcript NM_020208.4 (MANE Select); coding-DNA position 1601, T replaced by G.
Protein change: p.Leu534Arg; replaces leucine 534 with arginine.
Molecular consequence: missense variant.
Genome position (GRCh38, 1-based): chr3:45,759,885, A>C on the plus strand (T>G on the coding strand, the complement: SLC6A20 is on the minus strand). VCF-style: chr3-45759885-A-C. GRCh37 (hg19) VCF-style: chr3-45801377-A-C.
Other names: c.1634T>G, p.Leu545Arg (NM_001385683.1); c.1490T>G, p.Leu497Arg (NM_022405.4); short protein forms L497R, L534R, L545R.
Identifiers: ClinVar variation 1050543 (VCV001050543.2), dbSNP rs1553659698, ClinGen allele CA2351256.

ClinVar aggregate classification (germline): Uncertain significance. Review status: criteria provided, single submitter (1 of 4 stars). 2 submissions from 2 submitters: Uncertain significance (1). 1 of the submissions does not count toward it. Last evaluated 2022-05-23.

Conditions:
Hyperglycinuria. Also called: GLYCINURIA WITH OR WITHOUT OXALATE NEPHROLITHIASIS; GLYCINURIA WITH OR WITHOUT OXALATE UROLITHIASIS; IMINOGLYCINURIA TYPE II. Identifiers: MedGen C0543541, MONDO:0007677, OMIM 138500, HP:0003108.
Iminoglycinuria. Identifiers: Orphanet 42062, MedGen C0268654, MONDO:0009448, OMIM 242600.

Allele frequency attached by ClinVar (database versions not stated): gnomAD exomes below 0.00001 and 0.00001; TOPMed below 0.00001; ExAC 0.00001.
gnomAD v4.1: 7 of 1,614,090 alleles (0.00043%); highest among the groups gnomAD compares: Non-Finnish European, 0.00059%; no homozygotes.

Submissions (2):

Fulgent Genetics
Classification: Uncertain significance for Hyperglycinuria; Iminoglycinuria. Last evaluated: 2022-05-23. Review status: criteria provided, single submitter. Criteria: ACMG Guidelines, 2015. Collection method: clinical testing. Allele origin: unknown.

Department of Pathology and Laboratory Medicine, Sinai Health System
Classification: Uncertain significance. Review status: no assertion criteria provided. Collection method: clinical testing. Allele origin: unknown. Affected: yes. Study: The Canadian Open Genetics Repository (COGR). Not counted in ClinVar's aggregate classification.
Comment: The SLC6A20 p.Leu497Arg variant was not identified in the literature nor was it identified in dbSNP, ClinVar or LOVD 3.0. The variant was identified in control databases in 1 of 251228 chromosomes at a frequency of 0.00000398 (Genome Aggregation Database March 6, 2019, v2.1.1). The variant was observed in the European (non-Finnish) population in 1 of 113632 chromosomes (freq: 0.000009), but was not observed in the African, Latino, Ashkenazi Jewish, East Asian, European (Finnish), Other, or South Asian populations. The p.Leu497 residue is conserved in mammals but not in more distantly related organisms, and four out of five computational analyses (PolyPhen-2, SIFT, AlignGVGD, BLOSUM, MutationTaster) suggest that the variant may impact the protein; however, this information is not predictive enough to assume pathogenicity. The variant occurs outside of the splicing consensus sequence and in silico or computational prediction software programs (SpliceSiteFinder, MaxEntScan, NNSPLICE, GeneSplicer) do not predict a difference in splicing. In summary, based on the above information the clinical significance of this variant cannot be determined with certainty at this time. This variant is classified as a variant of uncertain significance.